The following is an entry in ClinVar:

NM_001349253.2(SCN11A):c.94G>C (p.Ala32Pro)

Gene: SCN11A (sodium voltage-gated channel alpha subunit 11; minus strand). Cytogenetic location: 3p22.2.
Variant type: single nucleotide variant.
Coding change: c.94G>C on transcript NM_001349253.2 (MANE Select); coding-DNA position 94, G replaced by C.
Protein change: p.Ala32Pro; replaces alanine 32 with proline.
Molecular consequence: missense variant.
Genome position (GRCh38, 1-based): chr3:38,950,269, C>G on the plus strand (G>C on the coding strand, the complement: SCN11A is on the minus strand). VCF-style: chr3-38950269-C-G. GRCh37 (hg19) VCF-style: chr3-38991760-C-G.
Other names: c.94G>C, p.Ala32Pro (NM_014139.3); short protein forms A32P.
Identifiers: ClinVar variation 3749259 (VCV003749259.2).
Genomic context (GRCh38, chr3:38,950,269, plus strand): 5'-GCCGAGGCTGGGGTACTTCTCCTGTCTGGTCTTTAGACTTCTTTTTCTCCTTTTGGATGG[C>G]AATCCGCTTCTCAATTGCAGCCAGAGAGTCGGAAGTGAAGGGGCGGAAATTCCGCTCATC-3'
Protein context (NP_001336182.1, residues 22-42): DSLAAIEKRI[Ala32Pro]IQKEKKKSKD

ClinVar aggregate classification (germline): Uncertain significance (1 of 4 stars; one submission).

Conditions:
Hereditary sensory and autonomic neuropathy type 7. Also called: HSAN VII; Neuropathy, hereditary sensory and autonomic, type VII. Identifiers: Orphanet 391397, MedGen C3809882, MONDO:0014244, OMIM 615548.
Familial episodic pain syndrome with predominantly lower limb involvement. Also called: Episodic pain syndrome, familial, 3. Identifiers: Orphanet 391384, Orphanet 391392, MedGen C3809899, MONDO:0014247, OMIM 615552.

gnomAD v4.1: 1 of 1,614,048 alleles (0.000062%); highest among the groups gnomAD compares: Non-Finnish European, 0.000085%; no homozygotes.

Submission:

Labcorp Genetics (formerly Invitae), Labcorp
Classification: Uncertain significance for Familial episodic pain syndrome with predominantly lower limb involvement; Hereditary sensory and autonomic neuropathy type 7. Last evaluated: 2024-12-30. Review status: criteria provided, single submitter. Criteria: Invitae Variant Classification Sherloc (09022015). Collection method: clinical testing. Allele origin: germline.
Comment: This sequence change replaces alanine, which is neutral and non-polar, with proline, which is neutral and non-polar, at codon 32 of the SCN11A protein (p.Ala32Pro). This variant is present in population databases (rs759930584, gnomAD 0.0009%). This variant has not been reported in the literature in individuals affected with SCN11A-related conditions. Invitae Evidence Modeling of protein sequence and biophysical properties (such as structural, functional, and spatial information, amino acid conservation, physicochemical variation, residue mobility, and thermodynamic stability) indicates that this missense variant is expected to disrupt SCN11A protein function with a positive predictive value of 80%. In summary, the available evidence is currently insufficient to determine the role of this variant in disease. Therefore, it has been classified as a Variant of Uncertain Significance.